The following is an entry in ClinVar:

ClinVar aggregate classification (germline): Uncertain significance. Review status: criteria provided, multiple submitters, no conflicts (2 of 4 stars). 3 submissions from 3 submitters: Uncertain significance (3). Last evaluated 2024-03-17.

Conditions:
Koolen-de Vries syndrome (KDVS). Identifiers: Orphanet 96169, MedGen C1864871, MONDO:0012496, OMIM 610443.
Inborn genetic diseases. Identifiers: MedGen C0950123, MeSH D030342.

Allele frequency attached by ClinVar (database versions not stated): ExAC 0.00001; gnomAD 0.00001; gnomAD exomes 0.00001; TOPMed 0.00002.
gnomAD v4.1: 17 of 1,613,956 alleles (0.0011%); highest among the groups gnomAD compares: African/African-American, 0.011%; no homozygotes.

Submissions (3):

Fulgent Genetics
Classification: Uncertain significance for Koolen-de Vries syndrome. Last evaluated: 2024-03-17. Review status: criteria provided, single submitter. Criteria: ACMG Guidelines, 2015. Collection method: clinical testing. Allele origin: germline.

Ambry Genetics
Classification: Uncertain significance for Inborn genetic diseases. Last evaluated: 2023-07-28. Review status: criteria provided, single submitter. Criteria: Ambry Variant Classification Scheme 2023. Collection method: clinical testing. Allele origin: germline.
Comment: The c.709A>G (p.M237V) alteration is located in exon 2 (coding exon 1) of the KANSL1 gene. This alteration results from a A to G substitution at nucleotide position 709, causing the methionine (M) at amino acid position 237 to be replaced by a valine (V). The p.M237V alteration is predicted to be tolerated by in silico analysis. Based on insufficient or conflicting evidence, the clinical significance of this alteration remains unclear.

Labcorp Genetics (formerly Invitae), Labcorp
Classification: Uncertain significance for Koolen-de Vries syndrome. Last evaluated: 2021-09-17. Review status: criteria provided, single submitter. Criteria: Invitae Variant Classification Sherloc (09022015). Collection method: clinical testing. Allele origin: germline.

NM_015443.4(KANSL1):c.709A>G (p.Met237Val)

Gene: KANSL1 (KAT8 regulatory NSL complex subunit 1). Cytogenetic location: 17q21.31.
Variant type: single nucleotide variant.
Coding change: c.709A>G on transcript NM_015443.4 (MANE Select); coding-DNA position 709, A replaced by G.
Protein change: p.Met237Val; replaces methionine 237 with valine.
Molecular consequence: missense variant.
Genome position (GRCh38, 1-based): chr17:46,171,435, T>C on the plus strand (A>G on the coding strand, the complement: KANSL1 is on the minus strand). VCF-style: chr17-46171435-T-C. GRCh37 (hg19) VCF-style: chr17-44248801-T-C.
Other names: c.709A>G, p.Met237Val (NM_001193465.2, NM_001193466.2, NM_001379198.1); short protein forms M237V.
Identifiers: ClinVar variation 934295 (VCV000934295.9), dbSNP rs778942078, ClinGen allele CA8618986.